The following is an entry in ClinVar:

ClinVar aggregate classification (germline): Uncertain significance (1 of 4 stars; one submission).

Conditions:
Nemaline myopathy 2 (NEM2). Also called: Nemaline myopathy 2, autosomal recessive. Identifiers: MedGen C1850569, MONDO:0009725, OMIM 256030.

Allele frequency attached by ClinVar (database versions not stated): TOPMed below 0.00001.

Submission:

Labcorp Genetics (formerly Invitae), Labcorp
Classification: Uncertain significance for Nemaline myopathy 2. Last evaluated: 2024-05-20. Review status: criteria provided, single submitter. Criteria: Invitae Variant Classification Sherloc (09022015). Collection method: clinical testing. Allele origin: germline.
Comment: This sequence change replaces glutamic acid, which is acidic and polar, with lysine, which is basic and polar, at codon 887 of the NEB protein (p.Glu887Lys). This variant is not present in population databases (gnomAD no frequency). This variant has not been reported in the literature in individuals affected with NEB-related conditions. ClinVar contains an entry for this variant (Variation ID: 1040737). Experimental studies and prediction algorithms are not available or were not evaluated, and the functional significance of this variant is currently unknown. In summary, the available evidence is currently insufficient to determine the role of this variant in disease. Therefore, it has been classified as a Variant of Uncertain Significance.

NM_001164508.2(NEB):c.2659G>A (p.Glu887Lys)

Gene: NEB (nebulin; minus strand). Cytogenetic location: 2q23.3.
Variant type: single nucleotide variant.
Coding change: c.2659G>A on transcript NM_001164508.2 (MANE Select); coding-DNA position 2659, G replaced by A.
Protein change: p.Glu887Lys; replaces glutamic acid 887 with lysine.
Molecular consequence: missense variant.
Genome position (GRCh38, 1-based): chr2:151,684,954, C>T on the plus strand (G>A on the coding strand, the complement: NEB is on the minus strand). VCF-style: chr2-151684954-C-T. GRCh37 (hg19) VCF-style: chr2-152541468-C-T.
Other names: c.2659G>A, p.Glu887Lys (NM_001164507.2, NM_001271208.2, NM_004543.5); short protein forms E887K.
Identifiers: ClinVar variation 1040737 (VCV001040737.9), dbSNP rs1553558398, ClinGen allele CA348822450.